The following is an entry in ClinVar:

NM_001369.3(DNAH5):c.11755A>T (p.Ile3919Phe)

Gene: DNAH5 (dynein axonemal heavy chain 5; minus strand). Cytogenetic location: 5p15.2.
Variant type: single nucleotide variant.
Coding change: c.11755A>T on transcript NM_001369.3 (MANE Select); coding-DNA position 11755, A replaced by T.
Protein change: p.Ile3919Phe; replaces isoleucine 3919 with phenylalanine.
Molecular consequence: missense variant.
Genome position (GRCh38, 1-based): chr5:13,735,137, T>A on the plus strand (A>T on the coding strand, the complement: DNAH5 is on the minus strand). VCF-style: chr5-13735137-T-A. GRCh37 (hg19) VCF-style: chr5-13735246-T-A.
Other names: short protein forms I3919F.
Identifiers: ClinVar variation 1061670 (VCV001061670.6), dbSNP rs1268213717, ClinGen allele CA359222458.

ClinVar aggregate classification (germline): Uncertain significance (1 of 4 stars; one submission).

Conditions:
Primary ciliary dyskinesia. Also called: Ciliary dyskinesia. Identifiers: Orphanet 244, MedGen C0008780, MONDO:0016575, HP:0012265.

Allele frequency attached by ClinVar (database versions not stated): gnomAD 0.00001; gnomAD exomes 0.00001; TOPMed 0.00001.
gnomAD v4.1: 8 of 1,613,830 alleles (0.0005%); highest among the groups gnomAD compares: Non-Finnish European, 0.00068%; no homozygotes.

Submission:

Labcorp Genetics (formerly Invitae), Labcorp
Classification: Uncertain significance for Primary ciliary dyskinesia. Last evaluated: 2022-07-05. Review status: criteria provided, single submitter. Criteria: Invitae Variant Classification Sherloc (09022015). Collection method: clinical testing. Allele origin: germline.
Comment: This sequence change replaces isoleucine, which is neutral and non-polar, with phenylalanine, which is neutral and non-polar, at codon 3919 of the DNAH5 protein (p.Ile3919Phe). This variant is present in population databases (no rsID available, gnomAD 0.007%). This variant has not been reported in the literature in individuals affected with DNAH5-related conditions. ClinVar contains an entry for this variant (Variation ID: 1061670). Advanced modeling of protein sequence and biophysical properties (such as structural, functional, and spatial information, amino acid conservation, physicochemical variation, residue mobility, and thermodynamic stability) performed at Invitae indicates that this missense variant is not expected to disrupt DNAH5 protein function. In summary, the available evidence is currently insufficient to determine the role of this variant in disease. Therefore, it has been classified as a Variant of Uncertain Significance.